The following is an entry in ClinVar:

NM_000404.4(GLB1):c.442C>T (p.Arg148Cys)

Gene: GLB1 (galactosidase beta 1; minus strand). Cytogenetic location: 3p22.3.
Variant type: single nucleotide variant.
Coding change: c.442C>T on transcript NM_000404.4 (MANE Select); coding-DNA position 442, C replaced by T.
Protein change: p.Arg148Cys; replaces arginine 148 with cysteine.
Molecular consequence: missense variant. On other transcripts: intron variant (1).
Genome position (GRCh38, 1-based): chr3:33,068,245, G>A on the plus strand (C>T on the coding strand, the complement: GLB1 is on the minus strand). VCF-style: chr3-33068245-G-A. GRCh37 (hg19) VCF-style: chr3-33109737-G-A.
Other names: c.352C>T, p.Arg118Cys (NM_001079811.3); c.586C>T, p.Arg196Cys (NM_001317040.2); c.442C>T, p.Arg148Cys (NM_001393580.1); c.246-2688C>T (NM_001135602.3); c.442C>T (NM_000404.3); short protein forms R148C, R118C, R196C.
Identifiers: ClinVar variation 92907 (VCV000092907.33), dbSNP rs192732174, ClinGen allele CA202711.

ClinVar aggregate classification (germline): Pathogenic/Likely pathogenic. Review status: criteria provided, multiple submitters, no conflicts (2 of 4 stars). 16 submissions from 16 submitters: Pathogenic (14); Likely pathogenic (1). 1 of the submissions does not count toward it. Last evaluated 2026-08-06.

Conditions:
GLB1-related disorder. Also called: GLB1-related disorders. Identifiers: MedGen CN377807.
GM1 gangliosidosis type 3. Also called: GM1-GANGLIOSIDOSIS, TYPE III; GANGLIOSIDOSIS, GENERALIZED GM1, ADULT TYPE; GANGLIOSIDOSIS, GENERALIZED GM1, CHRONIC TYPE; GANGLIOSIDOSIS, GENERALIZED GM1, TYPE III; Beta-galactosidase deficiency; Adult GM1 gangliosidosis. Identifiers: Orphanet 79257, MedGen C0268273, MONDO:0009262, OMIM 230650.
Infantile GM1 gangliosidosis. Also called: Gangliosidosis, Generalized GM1, Type 1; GM1-gangliosidosis, type I; Gangliosidosis, generalized GM1, infantile form; GLB1 deficiency; GM1 gangliosidosis type 1. Identifiers: Orphanet 354, Orphanet 79255, MedGen C0268271, MONDO:0009260, OMIM 230500.
GM1 gangliosidosis type 2. Also called: GM1-GANGLIOSIDOSIS, TYPE II; GANGLIOSIDOSIS, GENERALIZED GM1, JUVENILE TYPE; GANGLIOSIDOSIS, GENERALIZED GM1, TYPE II; Juvenile GM>1< gangliosidosis; Gangliosidosis, Generalized GM1, Type 2. Identifiers: Orphanet 354, Orphanet 79256, MedGen C0268272, MONDO:0009261, OMIM 230600.
Mucopolysaccharidosis, MPS-IV-B (MPS4B). Also called: MORQUIO SYNDROME B; Mucopolysaccharidosis Type IVB; MPS IVB; Mucopolysaccharidosis type 4B; Mucopolysaccharidosis type IV B; Mucopolysaccharidosis Type IVB (Morquio B Disease). Identifiers: Orphanet 309310, Orphanet 582, MedGen C0086652, MONDO:0009660, OMIM 253010.
GM1 gangliosidosis. Identifiers: Orphanet 354, MedGen C0085131, MONDO:0018149.

Allele frequency attached by ClinVar (database versions not stated): TOPMed 0.00004.
gnomAD v4.1: 115 of 1,613,856 alleles (0.0071%); highest among the groups gnomAD compares: Middle Eastern, 0.016%; no homozygotes.

Submissions 1 to 7 of 16:

OLLIN Analises Genomicas, OLLIN
Classification: Pathogenic for Infantile GM1 gangliosidosis. Last evaluated: 2026-08-06. Review status: criteria provided, single submitter. Criteria: ACMG Guidelines 2015 PMID 25741868. Collection method: clinical testing. Allele origin: germline. Inheritance: Autosomal recessive inheritance.
Comment: This missense variant, located in exon 4 (of 16), has been reported in ClinVar (accession VCV000551757.27), in gnomAD with an allele frequency of 0.0071%, and in the scientific literature, in compound heterozygosity, in individuals with GLB1 related disorders (PMID: 17221873, 21497194, 31367523, 22932019, 23151865, 37970291, 33240792, 29396849, 10839995, 15986423, 25936995). Functional studies suggest that this variant may affect protein function, and in silico analysis predicts a deleterious effect (PMID: 17221873, 21497194). Another pathogenic variant affecting the same amino acid residue has been reported (PMID: 10839995, 15986423, 17221873, 23151865, 25936995). According to the currently available evidence, this variant has been classified as pathogenic (PS3_P, PS4, PM2_P, PM3_VS, PP3_S, PM5).

PreventionGenetics, part of Exact Sciences
Classification: Pathogenic for GLB1-related condition. Last evaluated: 2026-04-16. Review status: criteria provided, single submitter. Criteria: ACMG Guidelines, 2015. Collection method: clinical testing. Allele origin: germline.
Comment: The GLB1 c.442C>T variant is predicted to result in the amino acid substitution p.Arg148Cys. This variant has been reported as causative for autosomal recessive GM1-gangliosidosis (see for example: Roze et al. 2005. PubMed ID: 15986423; Lei et al. 2012. PubMed ID: 23151865; Hofer et al. 2010. PubMed ID: 20175788; Caciotti et al. 2011. PubMed ID: 21497194). This variant is reported in 0.0070% of alleles in individuals of European (Non-Finnish) descent in gnomAD. This variant is interpreted as pathogenic.

Natera, Inc.
Classification: Pathogenic for Mucopolysaccharidosis, MPS-IV-B. Last evaluated: 2025-08-20. Review status: criteria provided, single submitter. Criteria: Natera Variant Classification Schema (03/2026). Collection method: clinical testing. Allele origin: germline.
Comment: The c.442C>T variant in GLB1 is a missense variant predicted to cause substitution of arginine to cysteine at amino acid 148. This variant is rare in the general population with a frequency below the threshold expected for the associated phenotype(s). This variant has been observed in one or more individuals affected with the associated recessive disease, as either homozygous or compound heterozygous with a second variant (PMID: 16674934, 30712135, 21497194). A different variant at the same position has been determined to be Pathogenic or Likely Pathogenic. Computational prediction algorithms indicate this variant is likely to affect gene or protein function. Given the available evidence, this variant is classified as Pathogenic.

Labcorp Genetics (formerly Invitae), Labcorp
Classification: Pathogenic for Mucopolysaccharidosis, MPS-IV-B; GM1 gangliosidosis. Last evaluated: 2025-05-06. Review status: criteria provided, single submitter. Criteria: Invitae Variant Classification Sherloc (09022015). Collection method: clinical testing. Allele origin: germline.
Comment: This sequence change replaces arginine, which is basic and polar, with cysteine, which is neutral and slightly polar, at codon 148 of the GLB1 protein (p.Arg148Cys). This variant is present in population databases (rs192732174, gnomAD 0.007%). This missense change has been observed in individuals with GM1 gangliosidosis or mucopolysaccharidosis type IV (PMID: 15986423, 17221873, 23151865, 25936995). ClinVar contains an entry for this variant (Variation ID: 92907). Invitae Evidence Modeling of protein sequence and biophysical properties (such as structural, functional, and spatial information, amino acid conservation, physicochemical variation, residue mobility, and thermodynamic stability) indicates that this missense variant is expected to disrupt GLB1 protein function with a positive predictive value of 95%. Experimental studies have shown that this missense change affects GLB1 function (PMID: 17221873). This variant disrupts the p.Arg148 amino acid residue in GLB1. Other variant(s) that disrupt this residue have been observed in individuals with GLB1-related conditions (PMID: 10839995, 15986423, 17221873, 23151865, 25936995), which suggests that this may be a clinically significant amino acid residue. For these reasons, this variant has been classified as Pathogenic.

Rady Children's Institute for Genomic Medicine, Rady Children's Hospital San Diego
Classification: Pathogenic for GLB1-related disorders. Last evaluated: 2024-12-20. Review status: criteria provided, single submitter. Criteria: ACMG Guidelines, 2015. Collection method: clinical testing. Allele origin: germline. Affected: yes.
Comment: The c.442C>T (p.Arg148Cys) variant affects a highly conserved amino acid and is predicted by multiple in silico tools to have a deleterious effect on protein function. This variant has been previously reported as a compound heterozygous change in individuals with variable features of GLB1-related disorders (including GM1 gangliosidosis and mucopolysaccharidosis type 4B), such as weakness in lower limbs and hip joint pain, dystonia, hypotonia, hepatosplenomegaly, coarse facies, seizures and/or cherry red spot; some with developmental delay and others with normal intelligence (PMID: 15986423, 23151865, 33737400, 25936995, 17221873). Different amino acid changes at the same residue (p.Arg148Ser, p.Arg148His) have been previously reported in individuals with GLB1-related disorders (PMID: 10839995, 33240792, 21497194, 33737400). Functional studies demonstrated that the c.442C>T (p.Arg148Cys) variant results in significantly decreased beta-galactosidase enzyme activity in transfected COS-1 cells as well as in leukocytes and fibroblasts of affected individuals (PMID: 15986423, 23151865, 17221873). This variant is present in the latest version of the gnomAD population database at an allele frequency of 0.007% (115/1613856). Based on the available evidence, c.442C>T (p.Arg148Cys) is classified as Pathogenic.

Victorian Clinical Genetics Services, Murdoch Childrens Research Institute
Classification: Pathogenic for GM1 gangliosidosis. Last evaluated: 2024-11-21. Review status: criteria provided, single submitter. Criteria: ACMG Guidelines, 2015. Collection method: clinical testing. Allele origin: germline. Affected: no.
Comment: This variant is classified as Pathogenic. Evidence in support of pathogenic classification: Variant is present in gnomAD <0.01 for a recessive condition (v4: 115 heterozygote(s), 0 homozygote(s)); This variant has strong previous evidence of pathogenicity in unrelated individuals. It has been reported in at least two homozygous individuals affected with GM1-gangliosidosis type I and at least 2 compound heterozygous individuals with GM1-gangliosidosis type II (PMID: 37381921). In addition, it has been classified as pathogenic and likely pathogenic by multiple clinical laboratories (ClinVar); Missense variant consistently predicted to be damaging by in silico tool or highly conserved with a major amino acid change. Additional information: Variant is predicted to result in a missense amino acid change from arginine to cysteine; This variant is heterozygous; This gene is associated with autosomal recessive disease; Multiple alternative amino acid changes at the same position has been observed in gnomAD (v4) (highest allele count: 132 heterozygote(s), 0 homozygote(s)); Variant is located in the annotated glycosyl hydrolases family 35 (NCBI); Loss of function is a known mechanism of disease in this gene and is associated with GM1 gangliosidosis (MONDO#0018149).

Blueprint Genetics
Classification: Pathogenic for GLB1-related disorders. Last evaluated: 2024-07-15. Review status: criteria provided, single submitter. Criteria: ACMG Guidelines, 2015. Collection method: clinical testing. Allele origin: germline. Affected: yes. Observed: 5 variant alleles.